The following is an entry in ClinVar:

ClinVar aggregate classification (germline): Benign. Review status: criteria provided, multiple submitters, no conflicts (2 of 4 stars). 2 submissions from 2 submitters: Benign (2). Last evaluated 2018-06-19.

Allele frequency attached by ClinVar (database versions not stated): TOPMed 0.85545; 1000 Genomes Project 30x 0.89304; 1000 Genomes Project 0.89696.
gnomAD v4.1: 1,142,828 of 1,308,710 alleles (87%); highest among the groups gnomAD compares: East Asian, 99%; 499,891 homozygotes.

Submissions (2):

GeneDx
Classification: Benign. Last evaluated: 2018-06-19. Review status: criteria provided, single submitter. Criteria: GeneDx Variant Classification (06012015). Collection method: clinical testing. Allele origin: germline. Affected: yes.
Comment: This variant is considered likely benign or benign based on one or more of the following criteria: it is a conservative change, it occurs at a poorly conserved position in the protein, it is predicted to be benign by multiple in silico algorithms, and/or has population frequency not consistent with disease.

Breakthrough Genomics
Classification: Benign. Review status: criteria provided, single submitter. Criteria: ACMG Guidelines, 2015. Collection method: not provided. Allele origin: germline. Inheritance: Autosomal recessive inheritance. Affected: yes.

NM_002291.3(LAMB1):c.-87+35A>C

Gene: LAMB1 (laminin subunit beta 1; minus strand). Cytogenetic location: 7q31.1.
Variant type: single nucleotide variant.
Coding change: c.-87+35A>C on transcript NM_002291.3 (MANE Select); 35 bases into the intron after 87 bases upstream of the start codon, A replaced by C.
Molecular consequence: intron variant.
Genome position (GRCh38, 1-based): chr7:108,003,076, T>G on the plus strand (A>C on the coding strand, the complement: LAMB1 is on the minus strand). VCF-style: chr7-108003076-T-G. GRCh37 (hg19) VCF-style: chr7-107643521-T-G.
Identifiers: ClinVar variation 682960 (VCV000682960.2), dbSNP rs2395935, ClinGen allele CA16310929.